The following is an entry in ClinVar:

NM_001365276.2(TNXB):c.4345G>A (p.Val1449Met)

Gene: TNXB (tenascin XB; minus strand). Cytogenetic location: 6p21.33.
Variant type: single nucleotide variant.
Coding change: c.4345G>A on transcript NM_001365276.2 (MANE Select); coding-DNA position 4345, G replaced by A.
Protein change: p.Val1449Met; replaces valine 1449 with methionine.
Molecular consequence: missense variant.
Genome position (GRCh38, 1-based): chr6:32,079,063, C>T on the plus strand (G>A on the coding strand, the complement: TNXB is on the minus strand). VCF-style: chr6-32079063-C-T. GRCh37 (hg19) VCF-style: chr6-32046840-C-T.
Other names: c.5086G>A, p.Val1696Met (NM_001428335.1); c.4345G>A, p.Val1449Met (NM_019105.8); short protein forms V1449M, V1696M.
Identifiers: ClinVar variation 3971955 (VCV003971955.1).

ClinVar aggregate classification (germline): Uncertain significance (1 of 4 stars; one submission).

Conditions:
Cardiovascular phenotype. Identifiers: MedGen CN230736.

gnomAD v4.1: 7 of 1,613,060 alleles (0.00043%); highest among the groups gnomAD compares: South Asian, 0.0011%; no homozygotes.

Submission:

Ambry Genetics
Classification: Uncertain significance for Cardiovascular phenotype. Last evaluated: 2025-03-25. Review status: criteria provided, single submitter. Criteria: Ambry Variant Classification Scheme 2023. Collection method: clinical testing. Allele origin: germline.
Comment: The p.V1449M variant (also known as c.4345G>A), located in coding exon 10 of the TNXB gene, results from a G to A substitution at nucleotide position 4345. The valine at codon 1449 is replaced by methionine, an amino acid with highly similar properties. This amino acid position is conserved. In addition, this alteration is predicted to be tolerated by in silico analysis. Based on the available evidence, the clinical significance of this variant remains unclear.